The following is an entry in ClinVar:

NM_001355436.2(SPTB):c.925G>A (p.Gly309Arg)

Gene: SPTB (spectrin beta, erythrocytic; minus strand). Cytogenetic location: 14q23.3.
Variant type: single nucleotide variant.
Coding change: c.925G>A on transcript NM_001355436.2 (MANE Select); coding-DNA position 925, G replaced by A.
Protein change: p.Gly309Arg; replaces glycine 309 with arginine.
Molecular consequence: missense variant.
Genome position (GRCh38, 1-based): chr14:64,799,886, C>T on the plus strand (G>A on the coding strand, the complement: SPTB is on the minus strand). VCF-style: chr14-64799886-C-T. GRCh37 (hg19) VCF-style: chr14-65266604-C-T.
Other names: NM_000347.5:c.925G>A; c.925G>A, p.Gly309Arg (NM_001024858.4, NM_001355437.2); c.925G>A (NM_001024858.2); short protein forms G309R.
Identifiers: ClinVar variation 2381777 (VCV002381777.6), dbSNP rs199658725, ClinGen allele CA7231275.
Genomic context (GRCh38, chr14:64,799,886, plus strand): 5'-TGCGGCTGTTCAGGACAGTGATGGTCTGCTCGATCCAGGTGAGCAGGTCCGAGGCTAGCC[C>T]GCTGTACTTTTCAATCATCTTCTCAGTCTCAATGGCATGGTCAATAACCTAAGGAATCAT-3'
Protein context (NP_001342365.1, residues 299-319): ETEKMIEKYS[Gly309Arg]LASDLLTWIE

ClinVar aggregate classification (germline): Conflicting classifications of pathogenicity. Review status: criteria provided, conflicting classifications (1 of 4 stars). 3 submissions from 3 submitters: Uncertain significance (1); Likely benign (2). Last evaluated 2025-10-02.

Conditions:
SPTB-related disorder. Also called: SPTB-Related Disorders; SPTB-related condition.
Inborn genetic diseases. Identifiers: MedGen C0950123, MeSH D030342.

Allele frequency attached by ClinVar (database versions not stated): gnomAD 0.00011.
gnomAD v4.1: 311 of 1,614,224 alleles (0.019%); highest among the groups gnomAD compares: Middle Eastern, 0.26%; 2 homozygotes.

Submissions (3):

PreventionGenetics, part of Exact Sciences
Classification: Likely benign for SPTB-related condition. Last evaluated: 2025-10-02. Review status: criteria provided, single submitter. Criteria: ACMG Guidelines, 2015. Collection method: clinical testing. Allele origin: germline.
Comment: This variant is classified as likely benign based on ACMG/AMP sequence variant interpretation guidelines (Richards et al. 2015 PMID: 25741868, with internal and published modifications).

Labcorp Genetics (formerly Invitae), Labcorp
Classification: Likely benign. Last evaluated: 2023-05-16. Review status: criteria provided, single submitter. Criteria: Invitae Variant Classification Sherloc (09022015). Collection method: clinical testing. Allele origin: germline.

Ambry Genetics
Classification: Uncertain significance for Inborn genetic diseases. Last evaluated: 2022-02-11. Review status: criteria provided, single submitter. Criteria: Ambry Variant Classification Scheme 2023. Collection method: clinical testing. Allele origin: germline.